The following is an entry in ClinVar:

NM_145046.5(CALR3):c.1094C>T (p.Ser365Leu)

Gene: CALR3 (calreticulin 3; minus strand). Cytogenetic location: 19p13.11.
Variant type: single nucleotide variant.
Coding change: c.1094C>T on transcript NM_145046.5 (MANE Select); coding-DNA position 1094, C replaced by T.
Protein change: p.Ser365Leu; replaces serine 365 with leucine.
Molecular consequence: missense variant.
Genome position (GRCh38, 1-based): chr19:16,479,192, G>A on the plus strand (C>T on the coding strand, the complement: CALR3 is on the minus strand). VCF-style: chr19-16479192-G-A. GRCh37 (hg19) VCF-style: chr19-16590003-G-A.
Other names: short protein forms S365L.
Identifiers: ClinVar variation 647084 (VCV000647084.9), dbSNP rs768015132, ClinGen allele CA9278172.

ClinVar aggregate classification (germline): Uncertain significance (1 of 4 stars; one submission).

Conditions:
Hypertrophic cardiomyopathy 19. Also called: Familial hypertrophic cardiomyopathy 19. Identifiers: MedGen CN077603, MONDO:0013476.

Allele frequency attached by ClinVar (database versions not stated): gnomAD 0.00001; gnomAD exomes 0.00001 and 0.00004; TOPMed 0.00001; ExAC 0.00002.

Submission:

Labcorp Genetics (formerly Invitae), Labcorp
Classification: Uncertain significance for Hypertrophic cardiomyopathy 19. Last evaluated: 2024-12-22. Review status: criteria provided, single submitter. Criteria: Invitae Variant Classification Sherloc (09022015). Collection method: clinical testing. Allele origin: germline.
Comment: This sequence change replaces serine, which is neutral and polar, with leucine, which is neutral and non-polar, at codon 365 of the CALR3 protein (p.Ser365Leu). This variant is present in population databases (rs768015132, gnomAD 0.02%). This variant has not been reported in the literature in individuals affected with CALR3-related conditions. ClinVar contains an entry for this variant (Variation ID: 647084). Invitae Evidence Modeling of protein sequence and biophysical properties (such as structural, functional, and spatial information, amino acid conservation, physicochemical variation, residue mobility, and thermodynamic stability) indicates that this missense variant is not expected to disrupt CALR3 protein function with a negative predictive value of 80%. In summary, the available evidence is currently insufficient to determine the role of this variant in disease. Therefore, it has been classified as a Variant of Uncertain Significance.